The following is an entry in ClinVar:

ClinVar aggregate classification (germline): Likely benign. Review status: criteria provided, multiple submitters, no conflicts (2 of 4 stars). 4 submissions from 4 submitters: Likely benign (3). 1 of the submissions does not count toward it. Last evaluated 2026-01-27.

Conditions:
TELO2-related disorder. Also called: TELO2-related condition.

Allele frequency attached by ClinVar (database versions not stated): gnomAD exomes 0.00004; ExAC 0.00014; 1000 Genomes Project 0.00020; ESP Exome Variant Server 0.00023; 1000 Genomes Project 30x 0.00031; gnomAD 0.00046; TOPMed 0.00046.

Submissions (4):

Labcorp Genetics (formerly Invitae), Labcorp
Classification: Likely benign. Last evaluated: 2026-01-27. Review status: criteria provided, single submitter. Criteria: Invitae Variant Classification Sherloc (09022015). Collection method: clinical testing. Allele origin: germline.

Blueprint Genetics
Classification: Likely benign. Last evaluated: 2024-09-23. Review status: criteria provided, single submitter. Criteria: ACMG Guidelines, 2015. Collection method: clinical testing. Allele origin: germline.

CeGaT Center for Human Genetics Tuebingen
Classification: Likely benign. Last evaluated: 2023-04-01. Review status: criteria provided, single submitter. Criteria: CeGaT Center For Human Genetics Tuebingen Variant Classification Criteria Version 2. Collection method: clinical testing. Allele origin: germline. Affected: yes. Observed: 1 variant allele.
Comment: TELO2: BP4, BP7

PreventionGenetics, part of Exact Sciences
Classification: Likely benign for TELO2-related condition. Last evaluated: 2019-11-16. Review status: no assertion criteria provided. Collection method: clinical testing. Allele origin: germline. Not counted in ClinVar's aggregate classification.
Comment: This variant is classified as likely benign based on ACMG/AMP sequence variant interpretation guidelines (Richards et al. 2015 PMID: 25741868, with internal and published modifications).

NM_016111.4(TELO2):c.1449G>A (p.Ala483=)

Gene: TELO2 (telomere maintenance 2; plus strand). Cytogenetic location: 16p13.3.
Variant type: single nucleotide variant.
Coding change: c.1449G>A on transcript NM_016111.4 (MANE Select); coding-DNA position 1449, G replaced by A.
Protein change: p.Ala483=; no amino-acid change (alanine 483 retained).
Molecular consequence: synonymous variant.
Genome position (GRCh38, 1-based): chr16:1,501,750, G>A. VCF-style: chr16-1501750-G-A. GRCh37 (hg19) VCF-style: chr16-1551751-G-A.
Other names: c.1449G>A, p.Ala483= (NM_001351846.2); c.1449G>A (NM_016111.3).
Identifiers: ClinVar variation 2065985 (VCV002065985.30), dbSNP rs9938945, ClinGen allele CA7812143.